The following is an entry in ClinVar:

NM_004525.3(LRP2):c.13573A>G (p.Met4525Val)

Gene: LRP2 (LDL receptor related protein 2; minus strand). Cytogenetic location: 2q31.1.
Variant type: single nucleotide variant.
Coding change: c.13573A>G on transcript NM_004525.3 (MANE Select); coding-DNA position 13573, A replaced by G.
Protein change: p.Met4525Val; replaces methionine 4525 with valine.
Molecular consequence: missense variant.
Genome position (GRCh38, 1-based): chr2:169,137,439, T>C on the plus strand (A>G on the coding strand, the complement: LRP2 is on the minus strand). VCF-style: chr2-169137439-T-C. GRCh37 (hg19) VCF-style: chr2-169993949-T-C.
Other names: c.13573A>G (NM_004525.2); short protein forms M4525V.
Identifiers: ClinVar variation 1506645 (VCV001506645.6), dbSNP rs1197814938, ClinGen allele CA349152845.
Genomic context (GRCh38, chr2:169,137,439, plus strand): 5'-TATGGTTTCTCACCTGGATTGGCTGAACCACTTTGACAGCACTGTCTCTGGCTGAGTACA[T>C]TGGGTTTTCAAATATTATGGGCTGCTTCCCCATTTCCATGACAAAGTCTTCACTCTGATG-3'
Protein context (NP_004516.2, residues 4515-4535): GKQPIIFENP[Met4525Val]YSARDSAVKV

ClinVar aggregate classification (germline): Uncertain significance. Review status: criteria provided, multiple submitters, no conflicts (2 of 4 stars). 2 submissions from 2 submitters: Uncertain significance (2). Last evaluated 2024-09-26.

Conditions:
Inborn genetic diseases. Identifiers: MedGen C0950123, MeSH D030342.

Allele frequency attached by ClinVar (database versions not stated): gnomAD exomes below 0.00001 and 0.00001; gnomAD 0.00001.
gnomAD v4.1: 9 of 1,613,904 alleles (0.00056%); highest among the groups gnomAD compares: South Asian, 0.0044%; no homozygotes.

Submissions (2):

Ambry Genetics
Classification: Uncertain significance for Inborn genetic diseases. Last evaluated: 2024-09-26. Review status: criteria provided, single submitter. Criteria: Ambry Variant Classification Scheme 2023. Collection method: clinical testing. Allele origin: germline.

Labcorp Genetics (formerly Invitae), Labcorp
Classification: Uncertain significance. Last evaluated: 2021-08-26. Review status: criteria provided, single submitter. Criteria: Invitae Variant Classification Sherloc (09022015). Collection method: clinical testing. Allele origin: germline.
Comment: This sequence change replaces methionine with valine at codon 4525 of the LRP2 protein (p.Met4525Val). The methionine residue is highly conserved and there is a small physicochemical difference between methionine and valine. This variant is not present in population databases (ExAC no frequency). This variant has not been reported in the literature in individuals affected with LRP2-related conditions. Advanced modeling of protein sequence and biophysical properties (such as structural, functional, and spatial information, amino acid conservation, physicochemical variation, residue mobility, and thermodynamic stability) performed at Invitae indicates that this missense variant is not expected to disrupt LRP2 protein function. In summary, the available evidence is currently insufficient to determine the role of this variant in disease. Therefore, it has been classified as a Variant of Uncertain Significance.